The following is an entry in ClinVar:

ClinVar aggregate classification (germline): Benign. Review status: criteria provided, multiple submitters, no conflicts (2 of 4 stars). 2 submissions from 2 submitters: Benign (2). Last evaluated 2018-01-12.

Conditions:
Maturity-onset diabetes of the young type 7 (MODY7). Identifiers: Orphanet 552, MedGen C1864839, MONDO:0012513, OMIM 610508.

Allele frequency attached by ClinVar (database versions not stated): TOPMed 0.54808; gnomAD 0.55083 and 0.55319; 1000 Genomes Project 30x 0.58620; 1000 Genomes Project 0.58706; gnomAD exomes 0.88462.
gnomAD v4.1: 83,963 of 152,166 alleles (55%); highest among the groups gnomAD compares: East Asian, 68%; 23,432 homozygotes.

Submissions (2):

Illumina Laboratory Services, Illumina
Classification: Benign for Maturity-onset diabetes of the young type 7. Last evaluated: 2018-01-12. Review status: criteria provided, single submitter. Criteria: ICSL Variant Classification Criteria 13 December 2019. Collection method: clinical testing. Allele origin: germline.
Comment: This variant was observed in the ICSL laboratory as part of a predisposition screen in an ostensibly healthy population. It had not been previously curated by ICSL or reported in the Human Gene Mutation Database (HGMD: prior to June 1st, 2018), and was therefore a candidate for classification through an automated scoring system. Utilizing variant allele frequency, disease prevalence and penetrance estimates, and inheritance mode, an automated score was calculated to assess if this variant is too frequent to cause the disease. Based on the score and internal cut-off values, a variant classified as benign is not then subjected to further curation. The score for this variant resulted in a classification of benign for this disease.

Breakthrough Genomics
Classification: Benign. Review status: criteria provided, single submitter. Criteria: ACMG Guidelines, 2015. Collection method: not provided. Allele origin: germline. Inheritance: Unknown mechanism. Affected: yes.

NM_003597.5(KLF11):c.*1853T>C

Gene: KLF11 (KLF transcription factor 11; plus strand). Cytogenetic location: 2p25.1.
Variant type: single nucleotide variant.
Coding change: c.*1853T>C on transcript NM_003597.5 (MANE Select); 1853 bases downstream of the stop codon, T replaced by C.
Molecular consequence: 3 prime UTR variant.
Genome position (GRCh38, 1-based): chr2:10,054,360, T>C. VCF-style: chr2-10054360-T-C. GRCh37 (hg19) VCF-style: chr2-10194487-T-C.
Other names: c.*1853T>C (NM_001177716.2, NM_001177718.2).
Identifiers: ClinVar variation 330674 (VCV000330674.6), dbSNP rs7632, ClinGen allele CA10611758.